The following is an entry in ClinVar:

ClinVar aggregate classification (germline): Uncertain significance (0 of 4 stars; one submission).

Submission:

Department of Pathology and Laboratory Medicine, Sinai Health System
Classification: Uncertain significance. Review status: no assertion criteria provided. Collection method: clinical testing. Allele origin: unknown. Affected: yes. Study: The Canadian Open Genetics Repository (COGR).
Comment: The PTH1R p.R179L variant was not identified in the literature nor was it identified in ClinVar, dbSNP or in the following control databases: the 1000 Genomes Project, the NHLBI GO Exome Sequencing Project, or the Genome Aggregation Database (March 6, 2019, v2.1.1). The p.R179 residue is conserved in mammals and computational analyses (MUT Assesor, SIFT, MutationTaster, Revel, FATHMM, MetaLR, DANN) provide inconsistent predictions regarding the impact to the protein; this information is not very predictive of pathogenicity. The variant occurs outside of the splicing consensus sequence and in silico or computational prediction software programs (Splice AI exome) do not predict a difference in splicing. In summary, based on the above information the clinical significance of this variant cannot be determined with certainty at this time. This variant is classified as a variant of uncertain significance.

NM_000316.3(PTH1R):c.536G>T (p.Arg179Leu)

Gene: PTH1R (parathyroid hormone 1 receptor; plus strand). Cytogenetic location: 3p21.31.
Variant type: single nucleotide variant.
Coding change: c.536G>T on transcript NM_000316.3 (MANE Select); coding-DNA position 536, G replaced by T.
Protein change: p.Arg179Leu; replaces arginine 179 with leucine.
Molecular consequence: missense variant.
Genome position (GRCh38, 1-based): chr3:46,898,185, G>T. VCF-style: chr3-46898185-G-T. GRCh37 (hg19) VCF-style: chr3-46939675-G-T.
Other names: c.536G>T, p.Arg179Leu (NM_001184744.1); short protein forms R179L.
Identifiers: ClinVar variation 1049837 (VCV001049837.1), dbSNP rs768504854, ClinGen allele CA352495637.
Genomic context (GRCh38, chr3:46,898,185, plus strand): 5'-GGCACAACAGGACGTGGGCCAACTACAGCGAGTGTGTCAAATTTCTCACCAATGAGACTC[G>T]TGAACGGGTGCGAGCCTTTCTCCTCCCCAACCTGACCAGGATAAATTCACTCCCACCCCA-3'
Protein context (NP_000307.1, residues 169-189): ECVKFLTNET[Arg179Leu]EREVFDRLGM